The following is an entry in ClinVar:

NM_004991.4(MECOM):c.464G>C (p.Gly155Ala)

Gene: MECOM (MDS1 and EVI1 complex locus; minus strand). Cytogenetic location: 3q26.2.
Variant type: single nucleotide variant.
Coding change: c.464G>C on transcript NM_004991.4 (MANE Select); coding-DNA position 464, G replaced by C.
Protein change: p.Gly155Ala; replaces glycine 155 with alanine.
Molecular consequence: missense variant. On other transcripts: 5 prime UTR variant (12).
Genome position (GRCh38, 1-based): chr3:169,143,744, C>G on the plus strand (G>C on the coding strand, the complement: MECOM is on the minus strand). VCF-style: chr3-169143744-C-G. GRCh37 (hg19) VCF-style: chr3-168861532-C-G.
Other names: c.92G>C, p.Gly31Ala (NM_001105077.4); c.-101G>C (NM_001105078.4, NM_001163999.2, NM_001164000.2 and 9 more transcripts); c.464G>C, p.Gly155Ala (NM_001366466.2, NM_001366473.2); short protein forms G31A, G155A.
Identifiers: ClinVar variation 3871808 (VCV003871808.1).

ClinVar aggregate classification (germline): Uncertain significance (1 of 4 stars; one submission).

Conditions:
Inborn genetic diseases. Identifiers: MedGen C0950123, MeSH D030342.

Submission:

Ambry Genetics
Classification: Uncertain significance for Inborn genetic diseases. Last evaluated: 2025-02-08. Review status: criteria provided, single submitter. Criteria: Ambry Variant Classification Scheme 2023. Collection method: clinical testing. Allele origin: germline.
Comment: The p.G155A variant (also known as c.464G>C), located in coding exon 3 of the MECOM gene, results from a G to C substitution at nucleotide position 464. The glycine at codon 155 is replaced by alanine, an amino acid with similar properties. This amino acid position is conserved. In addition, the in silico prediction for this alteration is inconclusive. Based on the available evidence, the clinical significance of this variant remains unclear.